The following is an entry in ClinVar:

NM_015512.5(DNAH1):c.1834C>T (p.Arg612Cys)

Gene: DNAH1 (dynein axonemal heavy chain 1; plus strand). Cytogenetic location: 3p21.1.
Variant type: single nucleotide variant.
Coding change: c.1834C>T on transcript NM_015512.5 (MANE Select); coding-DNA position 1834, C replaced by T.
Protein change: p.Arg612Cys; replaces arginine 612 with cysteine.
Molecular consequence: missense variant.
Genome position (GRCh38, 1-based): chr3:52,346,649, C>T. VCF-style: chr3-52346649-C-T. GRCh37 (hg19) VCF-style: chr3-52380665-C-T.
Other names: c.1834C>T (NM_015512.4); short protein forms R612C.
Identifiers: ClinVar variation 1385371 (VCV001385371.8), dbSNP rs762421307, ClinGen allele CA2433060.

ClinVar aggregate classification (germline): Uncertain significance. Review status: criteria provided, multiple submitters, no conflicts (2 of 4 stars). 3 submissions from 3 submitters: Uncertain significance (3). Last evaluated 2023-11-27.

Conditions:
Spermatogenic failure 18. Identifiers: MedGen C4539783, MONDO:0054615, OMIM 617576.
Ciliary dyskinesia, primary, 37 (CILD37). Also called: CILIARY DYSKINESIA, PRIMARY, 37, WITH OR WITHOUT SITUS INVERSUS. Identifiers: MedGen C4539798, MONDO:0033204, OMIM 617577.
Primary ciliary dyskinesia. Also called: Ciliary dyskinesia. Identifiers: Orphanet 244, MedGen C0008780, MONDO:0016575, HP:0012265.

gnomAD v4.1: 27 of 1,613,936 alleles (0.0017%); highest among the groups gnomAD compares: South Asian, 0.0099%; no homozygotes.

Submissions (3):

Labcorp Genetics (formerly Invitae), Labcorp
Classification: Uncertain significance for Ciliary dyskinesia, primary, 37; Spermatogenic failure 18. Last evaluated: 2023-11-27. Review status: criteria provided, single submitter. Criteria: Invitae Variant Classification Sherloc (09022015). Collection method: clinical testing. Allele origin: germline.
Comment: This sequence change replaces arginine, which is basic and polar, with cysteine, which is neutral and slightly polar, at codon 612 of the DNAH1 protein (p.Arg612Cys). This variant is present in population databases (rs762421307, gnomAD 0.01%). This variant has not been reported in the literature in individuals affected with DNAH1-related conditions. ClinVar contains an entry for this variant (Variation ID: 1385371). An algorithm developed to predict the effect of missense changes on protein structure and function (PolyPhen-2) suggests that this variant¬†is likely to be tolerated. In summary, the available evidence is currently insufficient to determine the role of this variant in disease. Therefore, it has been classified as a Variant of Uncertain Significance.

Molecular Genetics McLendon Clinical Laboratories, University of North Carolina at Chapel Hill
Classification: Uncertain significance for Primary ciliary dyskinesia. Last evaluated: 2023-05-03. Review status: criteria provided, single submitter. Criteria: ACMG Guidelines, 2015. Collection method: clinical testing. Allele origin: germline.

Ambry Genetics
Classification: Uncertain significance. Last evaluated: 2022-10-04. Review status: criteria provided, single submitter. Criteria: Ambry Variant Classification Scheme 2023. Collection method: clinical testing. Allele origin: germline.